The following is an entry in ClinVar:

ClinVar aggregate classification (germline): Benign. Review status: criteria provided, multiple submitters, no conflicts (2 of 4 stars). 4 submissions from 2 submitters: Benign (4). Last evaluated 2018-01-12.

Conditions:
Paroxysmal extreme pain disorder (PEXPD). Also called: PAIN, SUBMANDIBULAR, OCULAR, AND RECTAL, WITH FLUSHING; RECTAL PAIN, FAMILIAL; SCN9A Paroxysmal Extreme Pain Disorder (SCN9A-PEPD). Identifiers: Orphanet 46348, MedGen C1833661, MONDO:0008179, OMIM 167400.
Channelopathy-associated congenital insensitivity to pain, autosomal recessive. Also called: Insensitivity to pain, channelopathy-associated; ASYMBOLIA FOR PAIN; CONGENITAL ANALGESIA, AUTOSOMAL RECESSIVE. Identifiers: Orphanet 88642, Orphanet 970, MedGen C1855739, MONDO:0009459, OMIM 243000.
Primary erythromelalgia. Also called: SCN9A Erythromelalgia (SCN9A-EM); primary erythermalgia. Identifiers: Orphanet 306577, Orphanet 90026, MedGen C0014805, MONDO:0007571, OMIM 133020.

Allele frequency attached by ClinVar (database versions not stated): gnomAD 0.03731; TOPMed 0.03926; 1000 Genomes Project 0.04173; 1000 Genomes Project 30x 0.04685.
gnomAD v4.1: 7,941 of 680,312 alleles (1.2%); highest among the groups gnomAD compares: African/African-American, 12%; 441 homozygotes.

Submissions (4):

Illumina Laboratory Services, Illumina
Classification: Benign for Channelopathy-associated congenital insensitivity to pain, autosomal recessive. Last evaluated: 2018-01-12. Review status: criteria provided, single submitter. Criteria: ICSL Variant Classification Criteria 13 December 2019. Collection method: clinical testing. Allele origin: germline.
Comment: This variant was observed in the ICSL laboratory as part of a predisposition screen in an ostensibly healthy population. It had not been previously curated by ICSL or reported in the Human Gene Mutation Database (HGMD: prior to June 1st, 2018), and was therefore a candidate for classification through an automated scoring system. Utilizing variant allele frequency, disease prevalence and penetrance estimates, and inheritance mode, an automated score was calculated to assess if this variant is too frequent to cause the disease. Based on the score and internal cut-off values, a variant classified as benign is not then subjected to further curation. The score for this variant resulted in a classification of benign for this disease.

Illumina Laboratory Services, Illumina
Classification: Benign for Paroxysmal extreme pain disorder. Last evaluated: 2018-01-12. Review status: criteria provided, single submitter. Criteria: ICSL Variant Classification Criteria 13 December 2019. Collection method: clinical testing. Allele origin: germline.
Comment: the same text as in the submission from Illumina Laboratory Services, Illumina above.

Illumina Laboratory Services, Illumina
Classification: Benign for Primary erythromelalgia. Last evaluated: 2018-01-12. Review status: criteria provided, single submitter. Criteria: ICSL Variant Classification Criteria 13 December 2019. Collection method: clinical testing. Allele origin: germline.
Comment: the same text as in the submission from Illumina Laboratory Services, Illumina above.

Breakthrough Genomics
Classification: Benign. Review status: criteria provided, single submitter. Criteria: ACMG Guidelines, 2015. Collection method: not provided. Allele origin: germline. Inheritance: Autosomal recessive inheritance. Affected: yes.

NM_001365536.1(SCN9A):c.*129C>T

Genes: SCN1A-AS1 (SCN1A and SCN9A antisense RNA 1; plus strand), SCN9A (sodium voltage-gated channel alpha subunit 9; minus strand). Cytogenetic location: 2q24.3.
Variant type: single nucleotide variant.
Coding change: c.*129C>T on transcript NM_001365536.1 (MANE Select); 129 bases downstream of the stop codon, C replaced by T.
Molecular consequence: 3 prime UTR variant.
Genome position (GRCh38, 1-based): chr2:166,198,543, G>A on the plus strand (C>T on the coding strand, the complement: SCN9A is on the minus strand). VCF-style: chr2-166198543-G-A. GRCh37 (hg19) VCF-style: chr2-167055053-G-A.
Other names: c.*129C>T (NM_002977.4).
Identifiers: ClinVar variation 331957 (VCV000331957.7), dbSNP rs16851759, ClinGen allele CA10612525.